The following is an entry in ClinVar:

NM_000094.4(COL7A1):c.3831+2T>C

Gene: COL7A1 (collagen type VII alpha 1 chain; minus strand). Cytogenetic location: 3p21.31.
Variant type: single nucleotide variant.
Coding change: c.3831+2T>C on transcript NM_000094.4 (MANE Select); the canonical splice donor site of the intron after coding-DNA position 3831, T replaced by C.
Molecular consequence: splice donor variant.
Genome position (GRCh38, 1-based): chr3:48,585,688, A>G on the plus strand (T>C on the coding strand, the complement: COL7A1 is on the minus strand). VCF-style: chr3-48585688-A-G. GRCh37 (hg19) VCF-style: chr3-48623121-A-G.
Identifiers: ClinVar variation 1065913 (VCV001065913.5), dbSNP rs2107742867, ClinGen allele CA352701258.

ClinVar aggregate classification (germline): Likely pathogenic (1 of 4 stars; one submission).

Allele frequency attached by ClinVar (database versions not stated): gnomAD exomes below 0.00001.
gnomAD v4.1: 2 of 1,614,016 alleles (0.00012%); highest among the groups gnomAD compares: Non-Finnish European, 0.00017%; no homozygotes.

Submission:

Labcorp Genetics (formerly Invitae), Labcorp
Classification: Likely pathogenic. Last evaluated: 2021-03-26. Review status: criteria provided, single submitter. Criteria: Invitae Variant Classification Sherloc (09022015). Collection method: clinical testing. Allele origin: germline.
Comment: This variant is not present in population databases (ExAC no frequency). In summary, the currently available evidence indicates that the variant is pathogenic, but additional data are needed to prove that conclusively. Therefore, this variant has been classified as Likely Pathogenic. Donor and acceptor splice site variants typically lead to a loss of protein function (PMID: 16199547), and loss-of-function variants in COL7A1 are known to be pathogenic (PMID: 16971478). Algorithms developed to predict the effect of sequence changes on RNA splicing suggest that this variant may disrupt the consensus splice site, but this prediction has not been confirmed by published transcriptional studies. This variant has not been reported in the literature in individuals with COL7A1-related conditions. This sequence change affects a donor splice site in intron 30 of the COL7A1 gene. It is expected to disrupt RNA splicing and likely results in an absent or disrupted protein product.

Literature cited by the submitters: PubMed 16199547; PubMed 16971478.